The following is an entry in ClinVar:

ClinVar aggregate classification (germline): Uncertain significance. Review status: criteria provided, multiple submitters, no conflicts (2 of 4 stars). 2 submissions from 2 submitters: Uncertain significance (2). Last evaluated 2024-10-01.

Conditions:
Cardiovascular phenotype. Identifiers: MedGen CN230736.
Long QT syndrome (LQTS). Identifiers: MedGen C0023976, MeSH D008133, MONDO:0002442. Disease mechanism: loss of function. Inheritance: Various modes of inheritance.

Allele frequency attached by ClinVar (database versions not stated): TOPMed 0.00001; ExAC 0.00002.
gnomAD v4.1: 2 of 1,614,012 alleles (0.00012%); highest among the groups gnomAD compares: East Asian, 0.0045%; no homozygotes.

Submissions (2):

Ambry Genetics
Classification: Uncertain significance for Cardiovascular phenotype. Last evaluated: 2024-10-01. Review status: criteria provided, single submitter. Criteria: Ambry Variant Classification Scheme 2023. Collection method: clinical testing. Allele origin: germline.

Labcorp Genetics (formerly Invitae), Labcorp
Classification: Uncertain significance for Long QT syndrome. Last evaluated: 2023-07-25. Review status: criteria provided, single submitter. Criteria: Invitae Variant Classification Sherloc (09022015). Collection method: clinical testing. Allele origin: germline.
Comment: In summary, the available evidence is currently insufficient to determine the role of this variant in disease. Therefore, it has been classified as a Variant of Uncertain Significance. An algorithm developed to predict the effect of missense changes on protein structure and function (PolyPhen-2) suggests that this variant is likely to be disruptive. ClinVar contains an entry for this variant (Variation ID: 2292039). This variant has not been reported in the literature in individuals affected with AKAP9-related conditions. This variant is present in population databases (rs771040833, gnomAD 0.01%). This sequence change replaces threonine, which is neutral and polar, with arginine, which is basic and polar, at codon 3050 of the AKAP9 protein (p.Thr3050Arg).

NM_005751.5(AKAP9):c.9149C>G (p.Thr3050Arg)

Gene: AKAP9 (A-kinase anchoring protein 9; plus strand). Cytogenetic location: 7q21.2.
Variant type: single nucleotide variant.
Coding change: c.9149C>G on transcript NM_005751.5 (MANE Select); coding-DNA position 9149, C replaced by G.
Protein change: p.Thr3050Arg; replaces threonine 3050 with arginine.
Molecular consequence: missense variant.
Genome position (GRCh38, 1-based): chr7:92,086,352, C>G. VCF-style: chr7-92086352-C-G. GRCh37 (hg19) VCF-style: chr7-91715666-C-G.
Other names: c.3794C>G, p.Thr1265Arg (NM_001379277.1); c.9125C>G, p.Thr3042Arg (NM_147185.3); short protein forms T1265R, T3050R, T3042R.
Identifiers: ClinVar variation 2292039 (VCV002292039.6), dbSNP rs771040833, ClinGen allele CA4337669.
Genomic context (GRCh38, chr7:92,086,352, plus strand): 5'-TTCAACAAGTTTTCTTAGAAGAGCGTAGTGTTTTACTAGCAGCATTTCGGACGGAGCTGA[C>G]AGCTCTAGGTACTACAGATGCAGTTGGTTTACTAAACTGTTTGGAACAGAGAATACAAGA-3'
Protein context (NP_005742.4, residues 3040-3060): VLLAAFRTEL[Thr3050Arg]ALGTTDAVGL